The following is an entry in ClinVar:

NM_015225.3(PRUNE2):c.1132C>G (p.Leu378Val)

Gene: PRUNE2 (prune homolog 2 with BCH domain; minus strand). Cytogenetic location: 9q21.2.
Variant type: single nucleotide variant.
Coding change: c.1132C>G on transcript NM_015225.3 (MANE Select); coding-DNA position 1132, C replaced by G.
Protein change: p.Leu378Val; replaces leucine 378 with valine.
Molecular consequence: missense variant. On other transcripts: non-coding transcript variant (1).
Genome position (GRCh38, 1-based): chr9:76,711,142, G>C on the plus strand (C>G on the coding strand, the complement: PRUNE2 is on the minus strand). VCF-style: chr9-76711142-G-C. GRCh37 (hg19) VCF-style: chr9-79326058-G-C.
Other names: c.1132C>G, p.Leu378Val (NM_001308047.2, NM_001308048.2); short protein forms L378V.
Identifiers: ClinVar variation 2659265 (VCV002659265.24), dbSNP rs185829648, ClinGen allele CA5090425.

ClinVar aggregate classification (germline): Likely benign (1 of 4 stars; one submission).

Allele frequency attached by ClinVar (database versions not stated): 1000 Genomes Project 30x 0.00219; 1000 Genomes Project 0.00240; TOPMed 0.00413; ESP Exome Variant Server 0.00573.
gnomAD v4.1: 9,567 of 1,613,778 alleles (0.59%); highest among the groups gnomAD compares: Non-Finnish European, 0.72%; 38 homozygotes.

Submission:

CeGaT Center for Human Genetics Tuebingen
Classification: Likely benign. Last evaluated: 2024-09-01. Review status: criteria provided, single submitter. Criteria: CeGaT Center For Human Genetics Tuebingen Variant Classification Criteria Version 2. Collection method: clinical testing. Allele origin: germline. Affected: yes. Observed: 2 variant alleles.
Comment: PRUNE2: BP4, BS2